The following is an entry in ClinVar:

NM_000530.8(MPZ):c.213A>T (p.Glu71Asp)

Gene: MPZ (myelin protein zero; minus strand). Cytogenetic location: 1q23.3.
Variant type: single nucleotide variant.
Coding change: c.213A>T on transcript NM_000530.8 (MANE Select); coding-DNA position 213, A replaced by T.
Protein change: p.Glu71Asp; replaces glutamic acid 71 with aspartic acid.
Molecular consequence: missense variant.
Genome position (GRCh38, 1-based): chr1:161,307,279, T>A on the plus strand (A>T on the coding strand, the complement: MPZ is on the minus strand). VCF-style: chr1-161307279-T-A. GRCh37 (hg19) VCF-style: chr1-161277069-T-A.
Other names: c.213A>T (LRG_256t1); c.213A>T, p.Glu71Asp (NM_001315491.2); short protein forms E71D.
Identifiers: ClinVar variation 411673 (VCV000411673.8), dbSNP rs1060503422, ClinGen allele CA16609897.
Genomic context (GRCh38, chr1:161,307,279, plus strand): 5'-TTTCTGTTATCCAACCCCAGGATTCCCCCAGGCACTCACCGAAATGGCATCTCTGCCCCC[T>A]TCGGGCTGGTAGCGCCAGGTGAAGGAGATGTCATCTGAGACCCACTCACTGGACCAGAAG-3'
Protein context (NP_000521.2, residues 61-81): DISFTWRYQP[Glu71Asp]GGRDAISIFH

ClinVar aggregate classification (germline): Uncertain significance (1 of 4 stars; one submission).

Conditions:
Charcot-Marie-Tooth disease, type I (CMT1). Also called: Charcot-Marie-Tooth disease type 1; Charcot-Marie-Tooth, Type 1. Identifiers: Orphanet 65753, MedGen C0751036, MONDO:0019011.

Allele frequency attached by ClinVar (database versions not stated): gnomAD exomes below 0.00001.
gnomAD v4.1: 2 of 1,614,228 alleles (0.00012%); highest among the groups gnomAD compares: Non-Finnish European, 0.000085%; no homozygotes.

Submission:

Labcorp Genetics (formerly Invitae), Labcorp
Classification: Uncertain significance for Charcot-Marie-Tooth disease, type I. Last evaluated: 2016-05-03. Review status: criteria provided, single submitter. Criteria: Invitae Variant Classification Sherloc (09022015). Collection method: clinical testing. Allele origin: germline.
Comment: In summary, this variant is a novel homozygous missense change that is not predicted to affect protein function. There is no indication that it causes disease, but the available evidence is currently insufficient to prove that conclusively. Therefore, it has been classified as a Variant of Uncertain Significance. Algorithms developed to predict the effect of missense changes on protein structure and function (SIFT, PolyPhen-2, Align-GVGD) all suggest that this variant is likely to be tolerated, but these predictions have not been confirmed by published functional studies. This variant is not present in population databases (ExAC no frequency) and has not been reported in the literature in individuals with a MPZ-related disease. This sequence change replaces glutamic acid with aspartic acid at codon 71 of the MPZ protein (p.Glu71Asp). The glutamic acid residue is highly conserved and there is a small physicochemical difference between glutamic acid and aspartic acid.